The following is an entry in ClinVar:

NM_006231.4(POLE):c.383T>C (p.Ile128Thr)

Gene: POLE (DNA polymerase epsilon, catalytic subunit; minus strand). Cytogenetic location: 12q24.33.
Variant type: single nucleotide variant.
Coding change: c.383T>C on transcript NM_006231.4 (MANE Select); coding-DNA position 383, T replaced by C.
Protein change: p.Ile128Thr; replaces isoleucine 128 with threonine.
Molecular consequence: missense variant.
Genome position (GRCh38, 1-based): chr12:132,679,994, A>G on the plus strand (T>C on the coding strand, the complement: POLE is on the minus strand). VCF-style: chr12-132679994-A-G. GRCh37 (hg19) VCF-style: chr12-133256580-A-G.
Other names: short protein forms I128T.
Identifiers: ClinVar variation 2694277 (VCV002694277.3), dbSNP rs2542190490, ClinGen allele CA387368079.

ClinVar aggregate classification (germline): Uncertain significance (1 of 4 stars; one submission).

Submission:

Labcorp Genetics (formerly Invitae), Labcorp
Classification: Uncertain significance. Last evaluated: 2023-11-08. Review status: criteria provided, single submitter. Criteria: Invitae Variant Classification Sherloc (09022015). Collection method: clinical testing. Allele origin: germline.
Comment: This sequence change replaces isoleucine, which is neutral and non-polar, with threonine, which is neutral and polar, at codon 128 of the POLE protein (p.Ile128Thr). This variant is not present in population databases (gnomAD no frequency). This variant has not been reported in the literature in individuals affected with POLE-related conditions. Advanced modeling of protein sequence and biophysical properties (such as structural, functional, and spatial information, amino acid conservation, physicochemical variation, residue mobility, and thermodynamic stability) performed at Invitae indicates that this missense variant is not expected to disrupt POLE protein function with a negative predictive value of 80%. In summary, the available evidence is currently insufficient to determine the role of this variant in disease. Therefore, it has been classified as a Variant of Uncertain Significance.